The following is an entry in ClinVar:

ClinVar aggregate classification (germline): Uncertain significance (1 of 4 stars; one submission).

Conditions:
Familial cold autoinflammatory syndrome 2 (FCAS2). Identifiers: Orphanet 247868, MedGen C2673198, MONDO:0012724, OMIM 611762.

Submission:

Labcorp Genetics (formerly Invitae), Labcorp
Classification: Uncertain significance for Familial cold autoinflammatory syndrome 2. Last evaluated: 2025-02-23. Review status: criteria provided, single submitter. Criteria: Invitae Variant Classification Sherloc (09022015). Collection method: clinical testing. Allele origin: germline.
Comment: This sequence change creates a premature translational stop signal (p.Tyr390*) in the NLRP12 gene. It is expected to result in an absent or disrupted protein product. However, the current clinical and genetic evidence is not sufficient to establish whether loss-of-function variants in NLRP12 cause disease. This variant is not present in population databases (gnomAD no frequency). This variant has not been reported in the literature in individuals affected with NLRP12-related conditions. ClinVar contains an entry for this variant (Variation ID: 580902). In summary, the available evidence is currently insufficient to determine the role of this variant in disease. Therefore, it has been classified as a Variant of Uncertain Significance.

NM_144687.4(NLRP12):c.1170C>A (p.Tyr390Ter)

Gene: NLRP12 (NLR family pyrin domain containing 12; minus strand). Cytogenetic location: 19q13.42.
Variant type: single nucleotide variant.
Coding change: c.1170C>A on transcript NM_144687.4 (MANE Select); coding-DNA position 1170, C replaced by A.
Protein change: p.Tyr390Ter; replaces tyrosine 390 with a stop codon.
Molecular consequence: nonsense.
Genome position (GRCh38, 1-based): chr19:53,810,489, G>T on the plus strand (C>A on the coding strand, the complement: NLRP12 is on the minus strand). VCF-style: chr19-53810489-G-T. GRCh37 (hg19) VCF-style: chr19-54313743-G-T.
Other names: c.1170C>A, p.Tyr390Ter (NM_001277126.2, NM_001277129.1); short protein forms Y390*.
Identifiers: ClinVar variation 580902 (VCV000580902.3), dbSNP rs146245368, ClinGen allele CA407414638.